The following is an entry in ClinVar:

ClinVar aggregate classification (germline): Uncertain significance (1 of 4 stars; one submission).

Submission:

Labcorp Genetics (formerly Invitae), Labcorp
Classification: Uncertain significance. Last evaluated: 2025-06-16. Review status: criteria provided, single submitter. Criteria: Invitae Variant Classification Sherloc (09022015). Collection method: clinical testing. Allele origin: germline.
Comment: This sequence change replaces aspartic acid, which is acidic and polar, with glutamic acid, which is acidic and polar, at codon 320 of the GUCY2C protein (p.Asp320Glu). This variant is not present in population databases (gnomAD no frequency). This variant has not been reported in the literature in individuals affected with GUCY2C-related conditions. ClinVar contains an entry for this variant (Variation ID: 2079974). Invitae Evidence Modeling of protein sequence and biophysical properties (such as structural, functional, and spatial information, amino acid conservation, physicochemical variation, residue mobility, and thermodynamic stability) indicates that this missense variant is not expected to disrupt GUCY2C protein function with a negative predictive value of 80%. In summary, the available evidence is currently insufficient to determine the role of this variant in disease. Therefore, it has been classified as a Variant of Uncertain Significance.

NM_004963.4(GUCY2C):c.960C>G (p.Asp320Glu)

Genes: GUCY2C (guanylate cyclase 2C; minus strand), GUCY2C-AS1 (GUCY2C antisense RNA 1; plus strand). Cytogenetic location: 12p12.3.
Variant type: single nucleotide variant.
Coding change: c.960C>G on transcript NM_004963.4 (MANE Select); coding-DNA position 960, C replaced by G.
Protein change: p.Asp320Glu; replaces aspartic acid 320 with glutamic acid.
Molecular consequence: missense variant.
Genome position (GRCh38, 1-based): chr12:14,674,749, G>C on the plus strand (C>G on the coding strand, the complement: GUCY2C is on the minus strand). VCF-style: chr12-14674749-G-C. GRCh37 (hg19) VCF-style: chr12-14827683-G-C.
Other names: short protein forms D320E.
Identifiers: ClinVar variation 2079974 (VCV002079974.4), dbSNP rs2497773129, ClinGen allele CA384001732.